The following is an entry in ClinVar:

ClinVar aggregate classification (germline): Uncertain significance. Review status: criteria provided, multiple submitters, no conflicts (2 of 4 stars). 2 submissions from 2 submitters: Uncertain significance (2). Last evaluated 2025-05-18.

Conditions:
PGM1-congenital disorder of glycosylation. Also called: CDG It; Congenital disorder of glycosylation type 1t; PHOSPHOGLUCOMUTASE 1 DEFICIENCY; PGM1 DEFICIENCY; GLYCOGEN STORAGE DISEASE XIV; GSD XIV. Identifiers: Orphanet 319646, MedGen C2752015, MONDO:0013968, OMIM 614921.

Submissions (2):

Labcorp Genetics (formerly Invitae), Labcorp
Classification: Uncertain significance for PGM1-congenital disorder of glycosylation. Last evaluated: 2025-05-18. Review status: criteria provided, single submitter. Criteria: Invitae Variant Classification Sherloc (09022015). Collection method: clinical testing. Allele origin: germline.
Comment: This sequence change replaces glycine, which is neutral and non-polar, with proline, which is neutral and non-polar, at codon 511 of the PGM1 protein (p.Gly511Pro). This variant is present in population databases (no rsID available, gnomAD 0.0004%). This variant has not been reported in the literature in individuals affected with PGM1-related conditions. ClinVar contains an entry for this variant (Variation ID: 1338463). An algorithm developed to predict the effect of missense changes on protein structure and function (PolyPhen-2) suggests that this variant is likely to be disruptive. In summary, the available evidence is currently insufficient to determine the role of this variant in disease. Therefore, it has been classified as a Variant of Uncertain Significance.

Genetic Services Laboratory, University of Chicago
Classification: Uncertain significance. Last evaluated: 2018-11-21. Review status: criteria provided, single submitter. Criteria: ACMG Guidelines, 2015. Collection method: clinical testing. Allele origin: germline. Affected: no.

NM_002633.3(PGM1):c.1531_1532inv (p.Gly511Pro)

Gene: PGM1 (phosphoglucomutase 1; plus strand). Cytogenetic location: 1p31.3.
Variant type: Inversion.
Coding change: c.1531_1532inv on transcript NM_002633.3 (MANE Select).
Protein change: p.Gly511Pro; replaces glycine 511 with proline.
Molecular consequence: missense variant.
Genome position: GRCh38 VCF-style: chr1-63654398-GG-CC. GRCh37 (hg19) VCF-style: chr1-64120069-GG-CC.
Other names: c.1585_1586delinsCC (NM_001172818.1); c.1585_1586inv, p.Gly529Pro (NM_001172818.1); c.940_941inv, p.Gly314Pro (NM_001172819.2); short protein forms G314P, G511P, G529P.
Identifiers: ClinVar variation 1338463 (VCV001338463.5), ClinGen allele CA2573051611.